The following is an entry in ClinVar:

ClinVar aggregate classification (germline): Likely benign (1 of 4 stars; one submission).

Conditions:
SIPA1L3-related disorder. Also called: SIPA1L3-related condition.

gnomAD v4.1: 46 of 1,613,886 alleles (0.0029%); highest among the groups gnomAD compares: Middle Eastern, 0.05%; no homozygotes.

Submission:

PreventionGenetics, part of Exact Sciences
Classification: Likely benign for SIPA1L3-related condition. Last evaluated: 2026-04-01. Review status: criteria provided, single submitter. Criteria: ACMG Guidelines, 2015. Collection method: clinical testing. Allele origin: germline.
Comment: This variant is classified as likely benign based on ACMG/AMP sequence variant interpretation guidelines (Richards et al. 2015 PMID: 25741868, with internal and published modifications).

NM_015073.3(SIPA1L3):c.5043G>A (p.Pro1681=)

Gene: SIPA1L3 (signal induced proliferation associated 1 like 3; plus strand). Cytogenetic location: 19q13.2.
Variant type: single nucleotide variant.
Coding change: c.5043G>A on transcript NM_015073.3 (MANE Select); coding-DNA position 5043, G replaced by A.
Protein change: p.Pro1681=; no amino-acid change (proline 1681 retained).
Molecular consequence: synonymous variant.
Genome position (GRCh38, 1-based): chr19:38,201,920, G>A. VCF-style: chr19-38201920-G-A. GRCh37 (hg19) VCF-style: chr19-38692560-G-A.
Identifiers: ClinVar variation 4979454 (VCV004979454.1).